The following is an entry in ClinVar:

ClinVar aggregate classification (germline): Uncertain significance (1 of 4 stars; one submission).

Conditions:
Gastrointestinal stromal tumor. Also called: Gastrointestinal stroma tumor; Gastrointestinal stromal tumor, somatic. Identifiers: Orphanet 44890, MedGen C0238198, MeSH D046152, MONDO:0011719, OMIM 606764, HP:0100723.

Submission:

Labcorp Genetics (formerly Invitae), Labcorp
Classification: Uncertain significance for Gastrointestinal stromal tumor. Last evaluated: 2025-03-26. Review status: criteria provided, single submitter. Criteria: Invitae Variant Classification Sherloc (09022015). Collection method: clinical testing. Allele origin: germline.
Comment: This sequence change falls in intron 3 of the PDGFRA gene. It does not directly change the encoded amino acid sequence of the PDGFRA protein. It affects a nucleotide within the consensus splice site. This variant is not present in population databases (gnomAD no frequency). This variant has not been reported in the literature in individuals affected with PDGFRA-related conditions. Variants that disrupt the consensus splice site are a relatively common cause of aberrant splicing (PMID: 17576681, 9536098). Algorithms developed to predict the effect of sequence changes on RNA splicing suggest that this variant may disrupt the consensus splice site. In summary, the available evidence is currently insufficient to determine the role of this variant in disease. Therefore, it has been classified as a Variant of Uncertain Significance.

Literature cited by the submitters: PubMed 17576681; PubMed 9536098.

NM_006206.6(PDGFRA):c.367+4A>T

Gene: PDGFRA (platelet derived growth factor receptor alpha; plus strand). Cytogenetic location: 4q12.
Variant type: single nucleotide variant.
Coding change: c.367+4A>T on transcript NM_006206.6 (MANE Select); 4 bases into the intron after coding-DNA position 367, A replaced by T.
Molecular consequence: intron variant.
Genome position (GRCh38, 1-based): chr4:54,261,416, A>T. VCF-style: chr4-54261416-A-T. GRCh37 (hg19) VCF-style: chr4-55127583-A-T.
Other names: c.442+4A>T (NM_001347828.2); c.367+4A>T (NM_001347827.2, NM_001347829.2); c.406+4A>T (NM_001347830.2).
Identifiers: ClinVar variation 4755117 (VCV004755117.1).
Genomic context (GRCh38, chr4:54,261,416, plus strand): 5'-ACACTCAGACAGAAGAGAATGAGCTTGAAGGCAGGCACATTTACATCTATGTGCCAGGTG[A>T]GTTGGCTGGGTCTCCAGGACCAAGCTTCTTCTCTTCCTGTCTCTCCTGTTAAATGTACTA-3'